The following is an entry in ClinVar:

ClinVar aggregate classification (germline): Uncertain significance (1 of 4 stars; one submission).

gnomAD v4.1: 2 of 1,605,846 alleles (0.00012%); highest among the groups gnomAD compares: African/African-American, 0.0027%; no homozygotes.

Submission:

Labcorp Genetics (formerly Invitae), Labcorp
Classification: Uncertain significance. Last evaluated: 2022-07-19. Review status: criteria provided, single submitter. Criteria: Invitae Variant Classification Sherloc (09022015). Collection method: clinical testing. Allele origin: germline.
Comment: In summary, the available evidence is currently insufficient to determine the role of this variant in disease. Therefore, it has been classified as a Variant of Uncertain Significance. Algorithms developed to predict the effect of sequence changes on RNA splicing suggest that this variant may disrupt the consensus splice site. ClinVar contains an entry for this variant (Variation ID: 1042637). This variant has not been reported in the literature in individuals affected with TTLL5-related conditions. This variant is not present in population databases (gnomAD no frequency). This sequence change falls in intron 19 of the TTLL5 gene. It does not directly change the encoded amino acid sequence of the TTLL5 protein.

NM_015072.5(TTLL5):c.1709-7T>A

Gene: TTLL5 (tubulin tyrosine ligase like 5; plus strand). Cytogenetic location: 14q24.3.
Variant type: single nucleotide variant.
Coding change: c.1709-7T>A on transcript NM_015072.5 (MANE Select); 7 bases into the intron before coding-DNA position 1709, T replaced by A.
Molecular consequence: intron variant.
Genome position (GRCh38, 1-based): chr14:75,766,055, T>A. VCF-style: chr14-75766055-T-A. GRCh37 (hg19) VCF-style: chr14-76232398-T-A.
Identifiers: ClinVar variation 1042637 (VCV001042637.10), dbSNP rs2359870, ClinGen allele CA708603610.